The following is an entry in ClinVar:

NM_003322.6(TULP1):c.491G>A (p.Gly164Asp)

Gene: TULP1 (TUB like protein 1; minus strand). Cytogenetic location: 6p21.31.
Variant type: single nucleotide variant.
Coding change: c.491G>A on transcript NM_003322.6 (MANE Select); coding-DNA position 491, G replaced by A.
Protein change: p.Gly164Asp; replaces glycine 164 with aspartic acid.
Molecular consequence: missense variant.
Genome position (GRCh38, 1-based): chr6:35,510,869, C>T on the plus strand (G>A on the coding strand, the complement: TULP1 is on the minus strand). VCF-style: chr6-35510869-C-T. GRCh37 (hg19) VCF-style: chr6-35478646-C-T.
Other names: c.332G>A, p.Gly111Asp (NM_001289395.2); short protein forms G111D, G164D.
Identifiers: ClinVar variation 1465087 (VCV001465087.4), dbSNP rs2150927929, ClinGen allele CA363783024.

ClinVar aggregate classification (germline): Uncertain significance (1 of 4 stars; one submission).

gnomAD v4.1: 1 of 1,613,904 alleles (0.000062%); highest among the groups gnomAD compares: Non-Finnish European, 0.000085%; no homozygotes.

Submission:

Labcorp Genetics (formerly Invitae), Labcorp
Classification: Uncertain significance. Last evaluated: 2020-11-11. Review status: criteria provided, single submitter. Criteria: Invitae Variant Classification Sherloc (09022015). Collection method: clinical testing. Allele origin: germline.
Comment: In summary, the available evidence is currently insufficient to determine the role of this variant in disease. Therefore, it has been classified as a Variant of Uncertain Significance. Algorithms developed to predict the effect of missense changes on protein structure and function output the following: SIFT: "Not Available"; PolyPhen-2: "Benign"; Align-GVGD: "Not Available". The aspartic acid amino acid residue is found in multiple mammalian species, suggesting that this missense change does not adversely affect protein function. These predictions have not been confirmed by published functional studies and their clinical significance is uncertain. This variant has not been reported in the literature in individuals with TULP1-related conditions. This variant is not present in population databases (ExAC no frequency). This sequence change replaces glycine with aspartic acid at codon 164 of the TULP1 protein (p.Gly164Asp). The glycine residue is weakly conserved and there is a moderate physicochemical difference between glycine and aspartic acid.